The following is an entry in ClinVar:

NM_001193416.3(DDX3X):c.*2606C>T

Gene: DDX3X (DEAD-box helicase 3 X-linked; plus strand). Cytogenetic location: Xp11.4.
Variant type: single nucleotide variant.
Coding change: c.*2606C>T on transcript NM_001193416.3; 2606 bases downstream of the stop codon, C replaced by T.
Molecular consequence: 3 prime UTR variant.
Genome position (GRCh38, 1-based): chrX:41,350,325, C>T. VCF-style: chrX-41350325-C-T. GRCh37 (hg19) VCF-style: chrX-41209578-C-T.
Other names: c.*2606C>T (NM_001193417.3).
Identifiers: ClinVar variation 4851748 (VCV004851748.1).

ClinVar aggregate classification (germline): Uncertain significance (1 of 4 stars; one submission).

Submission:

Greenwood Genetic Center Diagnostic Laboratories, Greenwood Genetic Center
Classification: Uncertain significance. Last evaluated: 2025-02-04. Review status: criteria provided, single submitter. Criteria: ACMG Guidelines, 2015. Collection method: clinical testing. Allele origin: germline.
Comment: PM2